The following is an entry in ClinVar:

NM_006218.4(PIK3CA):c.11G>C (p.Arg4Pro)

Gene: PIK3CA (phosphatidylinositol-4,5-bisphosphate 3-kinase catalytic subunit alpha; plus strand). Cytogenetic location: 3q26.32.
Variant type: single nucleotide variant.
Coding change: c.11G>C on transcript NM_006218.4 (MANE Select); coding-DNA position 11, G replaced by C.
Protein change: p.Arg4Pro; replaces arginine 4 with proline.
Molecular consequence: missense variant.
Genome position (GRCh38, 1-based): chr3:179,198,836, G>C. VCF-style: chr3-179198836-G-C. GRCh37 (hg19) VCF-style: chr3-178916624-G-C.
Other names: short protein forms R4P.
Identifiers: ClinVar variation 1311835 (VCV001311835.2), dbSNP rs749956691, ClinGen allele CA355270140.

ClinVar aggregate classification (germline): Uncertain significance (1 of 4 stars; one submission).

Submission:

GeneDx
Classification: Uncertain significance. Last evaluated: 2020-01-31. Review status: criteria provided, single submitter. Criteria: GeneDx Variant Classification Process June 2021. Collection method: clinical testing. Allele origin: germline. Affected: yes.
Comment: Not observed in large population cohorts (Lek et al., 2016); In silico analysis supports that this missense variant has a deleterious effect on protein structure/function; Has not been previously published as pathogenic or benign to our knowledge